The following is an entry in ClinVar:

NM_031844.3(HNRNPU):c.*8A>C

Gene: HNRNPU (heterogeneous nuclear ribonucleoprotein U; minus strand). Cytogenetic location: 1q44.
Variant type: single nucleotide variant.
Coding change: c.*8A>C on transcript NM_031844.3 (MANE Select); 8 bases downstream of the stop codon, A replaced by C.
Molecular consequence: 3 prime UTR variant.
Genome position (GRCh38, 1-based): chr1:244,854,442, T>G on the plus strand (A>C on the coding strand, the complement: HNRNPU is on the minus strand). VCF-style: chr1-244854442-T-G. GRCh37 (hg19) VCF-style: chr1-245017744-T-G.
Other names: c.*8A>C (NM_004501.3).
Identifiers: ClinVar variation 3899107 (VCV003899107.1).

ClinVar aggregate classification (germline): Uncertain significance (1 of 4 stars; one submission).

gnomAD v4.1: 1 of 1,562,902 alleles (0.000064%); highest among the groups gnomAD compares: Admixed American, 0.0017%; no homozygotes.

Submission:

GeneDx
Classification: Uncertain significance. Last evaluated: 2024-11-11. Review status: criteria provided, single submitter. Criteria: GeneDx Variant Classification Process June 2021. Collection method: clinical testing. Allele origin: germline. Affected: yes.
Comment: Not observed at significant frequency in large population cohorts (gnomAD); Has not been previously published as pathogenic or benign to our knowledge; Located in a regulatory region; in the absence of functional studies, the actual effect of this sequence change is unknown